The following is an entry in ClinVar:

ClinVar aggregate classification (germline): Pathogenic (1 of 4 stars; one submission).

Conditions:
Neurofibromatosis, type 1 (NF1). Also called: VON RECKLINGHAUSEN DISEASE; NEUROFIBROMATOSIS, TYPE I, SOMATIC; Peripheral type neurofibromatosis; Neurofibromatosis, type I. Identifiers: Orphanet 636, MedGen C0027831, MONDO:0018975, OMIM 162200. Disease mechanism: loss of function.

Submission:

Labcorp Genetics (formerly Invitae), Labcorp
Classification: Pathogenic for Neurofibromatosis, type 1. Last evaluated: 2024-10-02. Review status: criteria provided, single submitter. Criteria: Invitae Variant Classification Sherloc (09022015). Collection method: clinical testing. Allele origin: germline.
Comment: This sequence change creates a premature translational stop signal (p.Asn2308Thrfs*17) in the NF1 gene. It is expected to result in an absent or disrupted protein product. Loss-of-function variants in NF1 are known to be pathogenic (PMID: 10712197, 23913538). This variant is not present in population databases (gnomAD no frequency). This variant has not been reported in the literature in individuals affected with NF1-related conditions. For these reasons, this variant has been classified as Pathogenic.

Literature cited by the submitters: PubMed 10712197; PubMed 23913538.

NM_001042492.3(NF1):c.6986del (p.Asn2329fs)

Gene: NF1 (neurofibromin 1; plus strand). Cytogenetic location: 17q11.2.
Variant type: Deletion.
Coding change: c.6986del on transcript NM_001042492.3 (MANE Select); coding-DNA position 6986, one base deleted (A; older notation c.6986delA).
Protein change: p.Asn2329fs; shifts the reading frame from asparagine 2329.
Molecular consequence: frameshift variant.
Genome position (GRCh38, 1-based): chr17:31,340,569, A deleted; the last of 2 consecutive A bases (chr17:31,340,568-31,340,569); deleting either gives the same sequence. VCF-style (leftmost placement, unchanged base first): chr17-31340567-CA-C. GRCh37 (hg19) VCF-style: chr17-29667585-CA-C.
Other names: c.6923delA, p.Asn2308Thrfs (NM_000267.4); short protein forms N2308fs, N2329fs.
Identifiers: ClinVar variation 3722006 (VCV003722006.2).